The following is an entry in ClinVar:

NM_004444.5(EPHB4):c.419C>T (p.Thr140Met)

Gene: EPHB4 (EPH receptor B4; minus strand). Cytogenetic location: 7q22.1.
Variant type: single nucleotide variant.
Coding change: c.419C>T on transcript NM_004444.5 (MANE Select); coding-DNA position 419, C replaced by T.
Protein change: p.Thr140Met; replaces threonine 140 with methionine.
Molecular consequence: missense variant.
Genome position (GRCh38, 1-based): chr7:100,822,660, G>A on the plus strand (C>T on the coding strand, the complement: EPHB4 is on the minus strand). VCF-style: chr7-100822660-G-A. GRCh37 (hg19) VCF-style: chr7-100420282-G-A.
Other names: short protein forms T140M.
Identifiers: ClinVar variation 1738617 (VCV001738617.7), dbSNP rs200549250, ClinGen allele CA4393285.
Genomic context (GRCh38, chr7:100,822,660, plus strand): 5'-TTCACCTTCCCGGTGGCCTCGGCCCCAGGGCGCTTCCGGGTGAGATGCTCCGCGGCCACC[G>A]TGTCCACCTGCCGGCGGGGGGGAGGCACACCGCTGCTGTCCCCACTCCCTGAGGACCCAG-3'
Protein context (NP_004435.3, residues 130-150): WMENPYIKVD[Thr140Met]VAAEHLTRKR

ClinVar aggregate classification (germline): Conflicting classifications of pathogenicity. Review status: criteria provided, conflicting classifications (1 of 4 stars). 2 submissions from 2 submitters: Uncertain significance (1); Likely benign (1). Last evaluated 2023-12-31.

Conditions:
Cardiovascular phenotype. Identifiers: MedGen CN230736.

gnomAD v4.1: 118 of 1,567,366 alleles (0.0075%); highest among the groups gnomAD compares: Admixed American, 0.016%; no homozygotes.

Submissions (2):

Labcorp Genetics (formerly Invitae), Labcorp
Classification: Uncertain significance. Last evaluated: 2023-12-31. Review status: criteria provided, single submitter. Criteria: Invitae Variant Classification Sherloc (09022015). Collection method: clinical testing. Allele origin: germline.
Comment: This sequence change replaces threonine, which is neutral and polar, with methionine, which is neutral and non-polar, at codon 140 of the EPHB4 protein (p.Thr140Met). The frequency data for this variant in the population databases is considered unreliable, as metrics indicate poor data quality at this position in the gnomAD database. This variant has not been reported in the literature in individuals affected with EPHB4-related conditions. ClinVar contains an entry for this variant (Variation ID: 1738617). Advanced modeling of protein sequence and biophysical properties (such as structural, functional, and spatial information, amino acid conservation, physicochemical variation, residue mobility, and thermodynamic stability) performed at Invitae indicates that this missense variant is expected to disrupt EPHB4 protein function with a positive predictive value of 80%. In summary, the available evidence is currently insufficient to determine the role of this variant in disease. Therefore, it has been classified as a Variant of Uncertain Significance.

Ambry Genetics
Classification: Likely benign for Cardiovascular phenotype. Last evaluated: 2021-11-14. Review status: criteria provided, single submitter. Criteria: Ambry Variant Classification Scheme 2023. Collection method: clinical testing. Allele origin: germline.